The following is an entry in ClinVar:

NM_182920.2(ADAMTS9):c.2867G>A (p.Arg956His)

Gene: ADAMTS9 (ADAM metallopeptidase with thrombospondin type 1 motif 9; minus strand). Cytogenetic location: 3p14.1.
Variant type: single nucleotide variant.
Coding change: c.2867G>A on transcript NM_182920.2 (MANE Select); coding-DNA position 2867, G replaced by A.
Protein change: p.Arg956His; replaces arginine 956 with histidine.
Molecular consequence: missense variant.
Genome position (GRCh38, 1-based): chr3:64,616,117, C>T on the plus strand (G>A on the coding strand, the complement: ADAMTS9 is on the minus strand). VCF-style: chr3-64616117-C-T. GRCh37 (hg19) VCF-style: chr3-64601793-C-T.
Other names: c.2783G>A, p.Arg928His (NM_001318781.2); c.2867G>A (NM_182920.1); short protein forms R928H, R956H.
Identifiers: ClinVar variation 1432726 (VCV001432726.10), dbSNP rs113699218, ClinGen allele CA2481047.
Genomic context (GRCh38, chr3:64,616,117, plus strand): 5'-TCAACCTTCTCAGTCTTCCCATCCAGCCTGCTATATTTGGCACAGTAGATGTCCAATGTG[C>T]GGTAACCCAAGCCACACTGGGCACTACATTCACTCCTGCTGGCAACATGCCACCTATGCA-3'
Protein context (NP_891550.1, residues 946-966): ECSAQCGLGY[Arg956His]TLDIYCAKYS

ClinVar aggregate classification (germline): Uncertain significance. Review status: criteria provided, multiple submitters, no conflicts (2 of 4 stars). 4 submissions from 4 submitters: Uncertain significance (3). 1 of the submissions does not count toward it. Last evaluated 2023-12-06.

Conditions:
ADAMTS9-related disorder. Also called: ADAMTS9-related condition.

Allele frequency attached by ClinVar (database versions not stated): TOPMed 0.00049; 1000 Genomes Project 30x 0.00016; gnomAD exomes 0.00019; ExAC 0.00020; ESP Exome Variant Server 0.00023; gnomAD 0.00040.
gnomAD v4.1: 220 of 1,614,094 alleles (0.014%); highest among the groups gnomAD compares: African/African-American, 0.12%; no homozygotes.

Submissions (4):

Labcorp Genetics (formerly Invitae), Labcorp
Classification: Uncertain significance. Last evaluated: 2023-12-06. Review status: criteria provided, single submitter. Criteria: Invitae Variant Classification Sherloc (09022015). Collection method: clinical testing. Allele origin: germline.
Comment: This sequence change replaces arginine, which is basic and polar, with histidine, which is basic and polar, at codon 956 of the ADAMTS9 protein (p.Arg956His). This variant is present in population databases (rs113699218, gnomAD 0.1%). This variant has not been reported in the literature in individuals affected with ADAMTS9-related conditions. ClinVar contains an entry for this variant (Variation ID: 1432726). An algorithm developed to predict the effect of missense changes on protein structure and function (PolyPhen-2) suggests that this variant is likely to be disruptive. In summary, the available evidence is currently insufficient to determine the role of this variant in disease. Therefore, it has been classified as a Variant of Uncertain Significance.

Ambry Genetics
Classification: Uncertain significance. Last evaluated: 2021-10-27. Review status: criteria provided, single submitter. Criteria: Ambry Variant Classification Scheme 2023. Collection method: clinical testing. Allele origin: germline.

Breakthrough Genomics
Classification: Uncertain significance. Review status: criteria provided, single submitter. Criteria: ACMG Guidelines, 2015. Collection method: not provided. Allele origin: germline. Inheritance: Unknown mechanism. Affected: yes.

PreventionGenetics, part of Exact Sciences
Classification: Likely benign for ADAMTS9-related condition. Last evaluated: 2023-01-03. Review status: no assertion criteria provided. Collection method: clinical testing. Allele origin: germline. Not counted in ClinVar's aggregate classification.
Comment: This variant is classified as likely benign based on ACMG/AMP sequence variant interpretation guidelines (Richards et al. 2015 PMID: 25741868, with internal and published modifications).